The following is an entry in ClinVar:

NM_021620.4(PRDM13):c.1630G>T (p.Gly544Trp)

Gene: PRDM13 (PR/SET domain 13; plus strand). Cytogenetic location: 6q16.2.
Variant type: single nucleotide variant.
Coding change: c.1630G>T on transcript NM_021620.4 (MANE Select); coding-DNA position 1630, G replaced by T.
Protein change: p.Gly544Trp; replaces glycine 544 with tryptophan.
Molecular consequence: missense variant.
Genome position (GRCh38, 1-based): chr6:99,614,265, G>T. VCF-style: chr6-99614265-G-T. GRCh37 (hg19) VCF-style: chr6-100062141-G-T.
Other names: short protein forms G544W.
Identifiers: ClinVar variation 3391217 (VCV003391217.2).

ClinVar aggregate classification (germline): Uncertain significance. Review status: criteria provided, multiple submitters, no conflicts (2 of 4 stars). 2 submissions from 2 submitters: Uncertain significance (2). Last evaluated 2023-07-22.

Conditions:
Cerebellar dysfunction, impaired intellectual development, and hypogonadotropic hypogonadism (CDIDHH). Identifiers: MedGen C5676924, MONDO:0859229, OMIM 619761.

gnomAD v4.1: 3 of 1,608,328 alleles (0.00019%); highest among the groups gnomAD compares: Middle Eastern, 0.017%; no homozygotes.

Submissions (2):

Neuberg Centre For Genomic Medicine, NCGM
Classification: Uncertain significance for Cerebellar dysfunction, impaired intellectual development, and hypogonadotropic hypogonadism. Last evaluated: 2023-07-22. Review status: criteria provided, single submitter. Criteria: ACMG Guidelines, 2015. Collection method: clinical testing. Allele origin: germline. Inheritance: Autosomal recessive inheritance. Affected: yes.
Comment: The missense variant c.1630G>Tp.Gly544Trp in PRDM13 gene has not been reported previously as a pathogenic variant nor as a benign variant, to our knowledge. The observed variant is absent in gnomAD exomes database. This variant has not been submitted to the ClinVar database. Multiple lines of computational evidence Polyphen - possibly damaging , SIFT - tolerated and MutationTaster - polymorphism predicts conflicting evidence on protein structure and function for this variant. The amino acid change p.Gly544Trp in PRDM13 is predicted as conserved by GERP++ and PhyloP across 100 vertebrates. The amino acid Gly at position 544 is changed to a Trp changing protein sequence and it might alter its composition and physico-chemical properties. For these reasons, this variant has been classified as Uncertain Significance VUS.

Blueprint Genetics
Classification: Uncertain significance. Last evaluated: 2022-08-31. Review status: criteria provided, single submitter. Criteria: ACMG Guidelines, 2015. Collection method: clinical testing. Allele origin: germline.